The following is an entry in ClinVar:

ClinVar aggregate classification (germline): Uncertain significance (1 of 4 stars; one submission).

Submission:

Labcorp Genetics (formerly Invitae), Labcorp
Classification: Uncertain significance. Last evaluated: 2026-01-17. Review status: criteria provided, single submitter. Criteria: Invitae Variant Classification Sherloc (09022015). Collection method: clinical testing. Allele origin: germline.
Comment: This sequence change replaces threonine, which is neutral and polar, with asparagine, which is neutral and polar, at codon 1068 of the CACNA1E protein (p.Thr1068Asn). This variant is not present in population databases (gnomAD no frequency). This variant has not been reported in the literature in individuals affected with CACNA1E-related conditions. Invitae Evidence Modeling of protein sequence and biophysical properties (such as structural, functional, and spatial information, amino acid conservation, physicochemical variation, residue mobility, and thermodynamic stability) has been performed for this missense variant. However, the output from this modeling did not meet the statistical confidence thresholds required to predict the impact of this variant on CACNA1E protein function. In summary, the available evidence is currently insufficient to determine the role of this variant in disease. Therefore, it has been classified as a Variant of Uncertain Significance.

NM_001205293.3(CACNA1E):c.3203C>A (p.Thr1068Asn)

Gene: CACNA1E (calcium voltage-gated channel subunit alpha1 E; plus strand). Cytogenetic location: 1q25.3.
Variant type: single nucleotide variant.
Coding change: c.3203C>A on transcript NM_001205293.3 (MANE Select); coding-DNA position 3203, C replaced by A.
Protein change: p.Thr1068Asn; replaces threonine 1068 with asparagine.
Molecular consequence: missense variant.
Genome position (GRCh38, 1-based): chr1:181,733,691, C>A. VCF-style: chr1-181733691-C-A. GRCh37 (hg19) VCF-style: chr1-181702827-C-A.
Other names: c.3203C>A, p.Thr1068Asn (NM_000721.4); c.3146C>A, p.Thr1049Asn (NM_001205294.2); short protein forms T1049N, T1068N.
Identifiers: ClinVar variation 4798983 (VCV004798983.1).